The following is an entry in ClinVar:

NM_000426.4(LAMA2):c.2771G>T (p.Gly924Val)

Gene: LAMA2 (laminin subunit alpha 2; plus strand). Cytogenetic location: 6q22.33.
Variant type: single nucleotide variant.
Coding change: c.2771G>T on transcript NM_000426.4 (MANE Select); coding-DNA position 2771, G replaced by T.
Protein change: p.Gly924Val; replaces glycine 924 with valine.
Molecular consequence: missense variant.
Genome position (GRCh38, 1-based): chr6:129,291,635, G>T. VCF-style: chr6-129291635-G-T. GRCh37 (hg19) VCF-style: chr6-129612780-G-T.
Other names: c.2771G>T, p.Gly924Val (NM_001079823.2); c.2771G>T (NM_000426.3); short protein forms G924V.
Identifiers: ClinVar variation 1381204 (VCV001381204.7), dbSNP rs2114432463, ClinGen allele CA365610700.
Genomic context (GRCh38, chr6:129,291,635, plus strand): 5'-GAAAGTTTTCCTGATCACAGGTCTCTCTTCTCTTTGCAGCCTGTCGCTGTAATGCCGGTG[G>T]CTCTTTCTCTGAGGTTTGCCACAGTCAAACTGGACAGTGTGAGTGCAGAGCCAACGTTCA-3'
Protein context (NP_000417.3, residues 914-934): NCQPCRCNAG[Gly924Val]SFSEVCHSQT

ClinVar aggregate classification (germline): Uncertain significance. Review status: criteria provided, multiple submitters, no conflicts (2 of 4 stars). 2 submissions from 2 submitters: Uncertain significance (2). Last evaluated 2025-05-17.

Conditions:
LAMA2-related muscular dystrophy (LAMA2-RD). Also called: Laminin alpha 2-related dystrophy. Identifiers: MedGen C5679788, MONDO:0100228.
Inborn genetic diseases. Identifiers: MedGen C0950123, MeSH D030342.

Submissions (2):

Ambry Genetics
Classification: Uncertain significance for Inborn genetic diseases. Last evaluated: 2025-05-17. Review status: criteria provided, single submitter. Criteria: Ambry Variant Classification Scheme 2023. Collection method: clinical testing. Allele origin: germline.

Labcorp Genetics (formerly Invitae), Labcorp
Classification: Uncertain significance for LAMA2-related muscular dystrophy. Last evaluated: 2021-06-24. Review status: criteria provided, single submitter. Criteria: Invitae Variant Classification Sherloc (09022015). Collection method: clinical testing. Allele origin: germline.
Comment: In summary, the available evidence is currently insufficient to determine the role of this variant in disease. Therefore, it has been classified as a Variant of Uncertain Significance. Advanced modeling of protein sequence and biophysical properties (such as structural, functional, and spatial information, amino acid conservation, physicochemical variation, residue mobility, and thermodynamic stability) performed at Invitae indicates that this missense variant is not expected to disrupt LAMA2 protein function. This variant has not been reported in the literature in individuals with LAMA2-related conditions. This variant is not present in population databases (ExAC no frequency). This sequence change replaces glycine with valine at codon 924 of the LAMA2 protein (p.Gly924Val). The glycine residue is moderately conserved and there is a moderate physicochemical difference between glycine and valine.